The following is an entry in ClinVar:

NM_005269.3(GLI1):c.1486C>T (p.Arg496Cys)

Gene: GLI1 (GLI family zinc finger 1; plus strand). Cytogenetic location: 12q13.3.
Variant type: single nucleotide variant.
Coding change: c.1486C>T on transcript NM_005269.3 (MANE Select); coding-DNA position 1486, C replaced by T.
Protein change: p.Arg496Cys; replaces arginine 496 with cysteine.
Molecular consequence: missense variant.
Genome position (GRCh38, 1-based): chr12:57,469,608, C>T. VCF-style: chr12-57469608-C-T. GRCh37 (hg19) VCF-style: chr12-57863391-C-T.
Other names: c.1102C>T, p.Arg368Cys (NM_001160045.2); c.1363C>T, p.Arg455Cys (NM_001167609.2); short protein forms R368C, R455C, R496C.
Identifiers: ClinVar variation 2296862 (VCV002296862.4), dbSNP rs139792497, ClinGen allele CA6648795.
Genomic context (GRCh38, chr12:57,469,608, plus strand): 5'-GAAGACCTCTCCAGCTTGGACGAGGGACCTTGCATTGCTGGCACTGGTCTGTCCACTCTT[C>T]GCCGCCTTGAGAACCTCAGGCTGGACCAGCTACATCAACTCCGGCCAATAGGGACCCGGG-3'
Protein context (NP_005260.1, residues 486-506): CIAGTGLSTL[Arg496Cys]RLENLRLDQL

ClinVar aggregate classification (germline): Uncertain significance. Review status: criteria provided, multiple submitters, no conflicts (2 of 4 stars). 2 submissions from 2 submitters: Uncertain significance (2). Last evaluated 2025-01-10.

Allele frequency attached by ClinVar (database versions not stated): ExAC 0.00009; gnomAD 0.00010; TOPMed 0.00012; 1000 Genomes Project 30x 0.00016; 1000 Genomes Project 0.00020; ESP Exome Variant Server 0.00038.

Submissions (2):

Ambry Genetics
Classification: Uncertain significance. Last evaluated: 2025-01-10. Review status: criteria provided, single submitter. Criteria: Ambry Variant Classification Scheme 2023. Collection method: clinical testing. Allele origin: germline.

Women's Health and Genetics/Laboratory Corporation of America, LabCorp
Classification: Uncertain significance. Last evaluated: 2024-09-09. Review status: criteria provided, single submitter. Criteria: LabCorp Variant Classification Summary - May 2015. Collection method: clinical testing. Allele origin: germline.
Comment: Variant summary: GLI1 c.1486C>T (p.Arg496Cys) results in a non-conservative amino acid change in the encoded protein sequence. Four of five in-silico tools predict a damaging effect of the variant on protein function. The variant allele was found at a frequency of 7.6e-05 in 251440 control chromosomes. This frequency is not significantly higher than estimated for a pathogenic variant in GLI1 causing GLI1-Related Disorders, allowing no conclusion about variant significance. To our knowledge, no occurrence of c.1486C>T in individuals affected with GLI1-Related Disorders and no experimental evidence demonstrating its impact on protein function have been reported. ClinVar contains an entry for this variant (Variation ID: 2296862). Based on the evidence outlined above, the variant was classified as uncertain significance.